The following is an entry in ClinVar:

NM_206933.4(USH2A):c.8835G>A (p.Trp2945Ter)

Gene: USH2A (usherin; minus strand). Cytogenetic location: 1q41.
Variant type: single nucleotide variant.
Coding change: c.8835G>A on transcript NM_206933.4 (MANE Select); coding-DNA position 8835, G replaced by A.
Protein change: p.Trp2945Ter; replaces tryptophan 2945 with a stop codon.
Molecular consequence: nonsense.
Genome position (GRCh38, 1-based): chr1:215,867,017, C>T on the plus strand (G>A on the coding strand, the complement: USH2A is on the minus strand). VCF-style: chr1-215867017-C-T. GRCh37 (hg19) VCF-style: chr1-216040359-C-T.
Other names: short protein forms W2945*.
Identifiers: ClinVar variation 553940 (VCV000553940.4), dbSNP rs1553270960, ClinGen allele CA344850957.
Genomic context (GRCh38, chr1:215,867,017, plus strand): 5'-GCTTTTAAAAATACACAAAGTGTTAACACAGGTATGAGAAGCTTACTTACTTGGTTTAGC[C>T]CACCTCACGTCGATGGCTGTGTGGTTAAGGACACTCGCAGTGAGATTGGCTCCTCTCTCT-3'

ClinVar aggregate classification (germline): Pathogenic. Review status: criteria provided, multiple submitters, no conflicts (2 of 4 stars). 3 submissions from 3 submitters: Pathogenic (2). 1 of the submissions does not count toward it. Last evaluated 2025-08-15.

Conditions:
Retinal dystrophy. Also called: Inherited retinal dystrophy. Identifiers: Orphanet 71862, MedGen C0854723, MeSH D058499, MONDO:0019118, HP:0000556.
Retinitis pigmentosa 39 (RP39). Identifiers: Orphanet 791, MedGen C3151138, MONDO:0013436, OMIM 613809.
Usher syndrome type 2A. Also called: RETINAL DISEASE IN USHER SYNDROME TYPE IIA, MODIFIER OF; USHER SYNDROME, TYPE IIA. Identifiers: Orphanet 231178, Orphanet 886, MedGen C1848634, MONDO:0010169, OMIM 276901.

Allele frequency attached by ClinVar (database versions not stated): gnomAD exomes below 0.00001.
gnomAD v4.1: 3 of 1,614,034 alleles (0.00019%); highest among the groups gnomAD compares: Non-Finnish European, 0.00025%; no homozygotes.

Submissions (3):

Natera, Inc.
Classification: Pathogenic for Usher syndrome type 2A. Last evaluated: 2025-08-15. Review status: criteria provided, single submitter. Criteria: Natera Variant Classification Schema (03/2026). Collection method: clinical testing. Allele origin: germline.
Comment: The c.8835G>A variant in USH2A is a nonsense variant predicted to introduce a stop codon at amino acid 2945. This variant is expected to result in nonsense mediated decay, truncation, or a dysfunctional protein product. This variant is rare in the general population with a frequency below the threshold expected for the associated phenotype(s). This variant has been observed in one or more individuals affected with the associated recessive disease, as either homozygous or compound heterozygous with a second variant (PMID: 22135276). Given the available evidence, this variant is classified as Pathogenic.

Institute of Human Genetics, Univ. Regensburg, Univ. Regensburg
Classification: Pathogenic for Retinal dystrophy. Last evaluated: 2013-01-01. Review status: criteria provided, single submitter. Criteria: ACMG Guidelines, 2015. Collection method: clinical testing. Allele origin: germline. Affected: yes.

Counsyl
Classification: Likely pathogenic for Usher syndrome type 2A; Retinitis pigmentosa 39. Last evaluated: 2017-09-20. Review status: no assertion criteria provided. Collection method: clinical testing. Allele origin: unknown. Not counted in ClinVar's aggregate classification.

Literature cited by the submitters: PubMed 22135276 (cited by Natera, Inc.); PubMed 24944099 (cited by Institute of Human Genetics, Univ. Regensburg, Univ. Regensburg and Counsyl).